The following is an entry in ClinVar:

NM_001211.6(BUB1B):c.1579C>T (p.Pro527Ser)

Gene: BUB1B (BUB1 mitotic checkpoint serine/threonine kinase B; plus strand). Cytogenetic location: 15q15.1.
Variant type: single nucleotide variant.
Coding change: c.1579C>T on transcript NM_001211.6 (MANE Select); coding-DNA position 1579, C replaced by T.
Protein change: p.Pro527Ser; replaces proline 527 with serine.
Molecular consequence: missense variant.
Genome position (GRCh38, 1-based): chr15:40,202,416, C>T. VCF-style: chr15-40202416-C-T. GRCh37 (hg19) VCF-style: chr15-40494617-C-T.
Other names: short protein forms P527S.
Identifiers: ClinVar variation 1775636 (VCV001775636.2), dbSNP rs2542558845, ClinGen allele CA391691108.

ClinVar aggregate classification (germline): Uncertain significance (1 of 4 stars; one submission).

Conditions:
Inborn genetic diseases. Identifiers: MedGen C0950123, MeSH D030342.

Submission:

Ambry Genetics
Classification: Uncertain significance for Inborn genetic diseases. Last evaluated: 2021-08-16. Review status: criteria provided, single submitter. Criteria: Ambry Variant Classification Scheme 2023. Collection method: clinical testing. Allele origin: germline.
Comment: The p.P527S variant (also known as c.1579C>T), located in coding exon 13 of the BUB1B gene, results from a C to T substitution at nucleotide position 1579. The proline at codon 527 is replaced by serine, an amino acid with similar properties. This amino acid position is conserved. In addition, this alteration is predicted to be tolerated by in silico analysis. Since supporting evidence is limited at this time, the clinical significance of this alteration remains unclear.